The following is an entry in ClinVar:

NM_153460.4(IL17RC):c.1988T>G (p.Leu663Arg)

Gene: IL17RC (interleukin 17 receptor C; plus strand). Cytogenetic location: 3p25.3.
Variant type: single nucleotide variant.
Coding change: c.1988T>G on transcript NM_153460.4 (MANE Select); coding-DNA position 1988, T replaced by G.
Protein change: p.Leu663Arg; replaces leucine 663 with arginine.
Molecular consequence: missense variant. On other transcripts: non-coding transcript variant (1).
Genome position (GRCh38, 1-based): chr3:9,933,418, T>G. VCF-style: chr3-9933418-T-G. GRCh37 (hg19) VCF-style: chr3-9975102-T-G.
Other names: c.1949T>G, p.Leu650Arg (NM_001203263.2); c.1898T>G, p.Leu633Arg (NM_001203264.2); c.1892T>G, p.Leu631Arg (NM_001203265.2); c.1910T>G, p.Leu637Arg (NM_001367278.1); c.1829T>G, p.Leu610Arg (NM_001367279.1); c.1904T>G, p.Leu635Arg (NM_001367280.1); c.1853T>G, p.Leu618Arg (NM_001410711.1); c.1943T>G, p.Leu648Arg (NM_032732.6); and 1 more; short protein forms L635R, L663R, L734R, L650R, L610R, L618R, L631R, L633R.
Identifiers: ClinVar variation 2002022 (VCV002002022.4), dbSNP rs766554752, ClinGen allele CA2247458.

ClinVar aggregate classification (germline): Uncertain significance (1 of 4 stars; one submission).

Conditions:
Candidiasis, familial, 9 (CANDF9). Identifiers: Orphanet 1334, MedGen C4225324, MONDO:0014642, OMIM 616445.

Allele frequency attached by ClinVar (database versions not stated): gnomAD exomes below 0.00001.
gnomAD v4.1: 2 of 1,613,214 alleles (0.00012%); highest among the groups gnomAD compares: East Asian, 0.0022%; no homozygotes.

Submission:

Labcorp Genetics (formerly Invitae), Labcorp
Classification: Uncertain significance for Candidiasis, familial, 9. Last evaluated: 2025-11-01. Review status: criteria provided, single submitter. Criteria: Invitae Variant Classification Sherloc (09022015). Collection method: clinical testing. Allele origin: germline.
Comment: This sequence change replaces leucine, which is neutral and non-polar, with arginine, which is basic and polar, at codon 734 of the IL17RC protein (p.Leu734Arg). This variant is present in population databases (rs766554752, gnomAD 0.006%). This variant has not been reported in the literature in individuals affected with IL17RC-related conditions. ClinVar contains an entry for this variant (Variation ID: 2002022). An algorithm developed to predict the effect of missense changes on protein structure and function (PolyPhen-2) suggests that this variant is likely to be disruptive. In summary, the available evidence is currently insufficient to determine the role of this variant in disease. Therefore, it has been classified as a Variant of Uncertain Significance.